The following is an entry in ClinVar:

NM_001079802.2(FKTN):c.1317_1318dup (p.Pro440fs)

Gene: FKTN (fukutin; plus strand). Cytogenetic location: 9q31.2.
Variant type: Microsatellite.
Coding change: c.1317_1318dup on transcript NM_001079802.2 (MANE Select); coding-DNA positions 1317 to 1318, 2 bases duplicated (TC; older notation c.1317_1318dupTC).
Protein change: p.Pro440fs; shifts the reading frame from proline 440.
Molecular consequence: frameshift variant. On other transcripts: 3 prime UTR variant (1), non-coding transcript variant (2), intron variant (1).
Genome position (GRCh38, 1-based): chr9:105,635,195-105,635,196, TC duplicated; duplicating any 2 consecutive bases within chr9:105,635,192-105,635,196 gives the same sequence; the c. name uses the placement nearest the transcript's 3' end. VCF-style (leftmost placement, unchanged base first): chr9-105635191-G-GCT. GRCh37 (hg19) VCF-style: chr9-108397472-G-GCT.
Other names: c.1317_1318dup, p.Pro440fs (NM_001351496.2, NM_006731.2); c.1248_1249dup, p.Pro417fs (NM_001351497.2); c.*107TC[3] (NM_001351498.2); c.921_922dup, p.Pro308fs (NM_001351499.2, NM_001351500.2, NM_001351501.2 and 1 more transcripts); c.1270+44CT[3] (NM_001198963.2); short protein forms P440fs, P308fs, P417fs.
Identifiers: ClinVar variation 284055 (VCV000284055.23), dbSNP rs886042778, ClinGen allele CA10604674.
Genomic context (GRCh38, chr9:105,635,191, plus strand): 5'-ACATTGAAGCCAACTATGGTAAGACCTGGAAGATTCCTGTAAAGACGTGGGACTGGAAGC[G>GCT]CTCTCCTCCCAATGTGCAACCCAATGGAATCTGGCCTATTTCTGAGTGGGATGAGGTTAT-3'

ClinVar aggregate classification (germline): Conflicting classifications of pathogenicity. Review status: criteria provided, conflicting classifications (1 of 4 stars). 6 submissions from 6 submitters: Pathogenic (2); Likely pathogenic (3); Uncertain significance (1). Last evaluated 2025-09-15.

Conditions:
Cardiovascular phenotype. Identifiers: MedGen CN230736.
Walker-Warburg congenital muscular dystrophy. Also called: Muscular dystrophy-dystroglycanopathy, type A; Walker-Warburg syndrome. Identifiers: Orphanet 899, MedGen C0265221, MONDO:0000171.
Dilated cardiomyopathy 1X (CMD1X). Also called: CARDIOMYOPATHY, DILATED, WITH MILD OR NO PROXIMAL MUSCLE WEAKNESS; FKTN-Related Dilated Cardiomyopathy. Identifiers: Orphanet 154, MedGen C1969024, MONDO:0012704, OMIM 611615.
Muscular dystrophy-dystroglycanopathy (congenital without impaired intellectual development), type B, 4. Also called: Muscular dystrophy-dystroglycanopathy (congenital without intellectual disability), type B4; MUSCULAR DYSTROPHY, CONGENITAL, FKTN-RELATED. Identifiers: MedGen C2751052, MONDO:0013156, OMIM 613152.
Autosomal recessive limb-girdle muscular dystrophy type 2M. Also called: MUSCULAR DYSTROPHY-DYSTROGLYCANOPATHY (LIMB-GIRDLE), TYPE C, 4; MUSCULAR DYSTROPHY, LIMB-GIRDLE, TYPE 2M. Identifiers: Orphanet 206554, MedGen C1969040, MONDO:0012699, OMIM 611588.
Muscular dystrophy-dystroglycanopathy (congenital with brain and eye anomalies), type A, 4 (MDDGA4). Also called: WALKER-WARBURG SYNDROME OR MUSCLE-EYE-BRAIN DISEASE, FKTN-RELATED; Congenital muscular dystrophy-dystroglycanopathy with brain and eye anomalies, type A4; Muscular dystrophy, congenital progressive, with mental retardation; Muscular dystrophy, congenital, with central nervous system involvement; Cerebromuscular dystrophy, Fukuyama type; Fukuyama congenital muscular dystrophy. Identifiers: Orphanet 272, Orphanet 588, Orphanet 899, MedGen C0410174, MONDO:0009678, OMIM 253800.

Submissions (6):

Ambry Genetics
Classification: Uncertain significance for Cardiovascular phenotype. Last evaluated: 2025-09-15. Review status: criteria provided, single submitter. Criteria: Ambry Variant Classification Scheme 2023. Collection method: clinical testing. Allele origin: germline.
Comment: The c.1317_1318dupTC variant, located in coding exon 9 of the FKTN gene, results from a duplication of TC at nucleotide position 1317, causing a translational frameshift with a predicted alternate stop codon (p.P440Lfs*28). This alteration occurs at the 3' terminus of the gene, is not expected to trigger nonsense-mediated mRNAdecay, and impacts the last 5% of the protein. The exact functional effect of this alteration is unknown. This variant was reported in individual(s) with features consistent with left ventricular non-compaction (LVNC) (Miszalski-Jamka K et al. Circ Cardiovasc Genet, 2017 Aug;10:). Based on the available evidence, the clinical significance of this variant remains unclear.

Natera, Inc.
Classification: Likely pathogenic for Walker-Warburg congenital muscular dystrophy. Last evaluated: 2025-09-08. Review status: criteria provided, single submitter. Criteria: Natera Variant Classification Schema (03/2026). Collection method: clinical testing. Allele origin: germline.
Comment: The c.1317_1318dupTC variant in FKTN is a frameshift variant predicted to elongate the protein beyond the termination codon. This variant is expected to result in nonsense mediated decay, truncation, or a dysfunctional protein product. This variant is rare in the general population with a frequency below the threshold expected for the associated phenotype(s). Given the available evidence, this variant is classified as Likely Pathogenic.

Labcorp Genetics (formerly Invitae), Labcorp
Classification: Pathogenic for Walker-Warburg congenital muscular dystrophy. Last evaluated: 2025-08-29. Review status: criteria provided, single submitter. Criteria: Invitae Variant Classification Sherloc (09022015). Collection method: clinical testing. Allele origin: germline.
Comment: This sequence change is expected to alter the c-terminus of the FKTN protein (p.Pro440Leufs*28). While this is not anticipated to result in nonsense mediated decay, it is expected to disrupt the last 22 amino acid(s) of the FKTN protein and extend the protein by 5 additional amino acid residues. This variant is present in population databases (no rsID available, gnomAD 0.0009%). This frameshift has been observed in individual(s) with left ventricular noncompaction (PMID: 28798025). This variant is also known as 9:108397472 G>GCT. This variant results in an extension of the FKTN protein. Other variant(s) that result in a similarly extended protein product (p.Asp455Metfs*12) have been determined to be pathogenic (PMID: 17044012). This suggests that these extensions are likely to be disease-causing. For these reasons, this variant has been classified as Pathogenic.

Fulgent Genetics
Classification: Likely pathogenic for Muscular dystrophy-dystroglycanopathy (congenital with brain and eye anomalies), type A, 4; Autosomal recessive limb-girdle muscular dystrophy type 2M; Dilated cardiomyopathy 1X; Muscular dystrophy-dystroglycanopathy (congenital without impaired intellectual development), type B, 4. Last evaluated: 2024-04-22. Review status: criteria provided, single submitter. Criteria: ACMG Guidelines, 2015. Collection method: clinical testing. Allele origin: germline.

Baylor Genetics
Classification: Likely pathogenic for Dilated cardiomyopathy 1X. Last evaluated: 2024-02-21. Review status: criteria provided, single submitter. Criteria: ACMG Guidelines, 2015. Collection method: clinical testing. Allele origin: unknown.

Eurofins Ntd Llc (ga)
Classification: Pathogenic. Last evaluated: 2015-10-27. Review status: criteria provided, single submitter. Criteria: EGL Classification Definitions. Collection method: clinical testing. Allele origin: germline. Observed: 1 variant allele, 1 heterozygote.

Literature cited by the submitters: PubMed 28798025 (cited by Ambry Genetics and Labcorp Genetics (formerly Invitae), Labcorp); PubMed 17044012 (cited by Labcorp Genetics (formerly Invitae), Labcorp).